The following is an entry in ClinVar:

NM_001365536.1(SCN9A):c.5015A>G (p.Glu1672Gly)

Genes: SCN9A (sodium voltage-gated channel alpha subunit 9; minus strand), SCN1A-AS1 (SCN1A and SCN9A antisense RNA 1; plus strand). Cytogenetic location: 2q24.3.
Variant type: single nucleotide variant.
Coding change: c.5015A>G on transcript NM_001365536.1 (MANE Select); coding-DNA position 5015, A replaced by G.
Protein change: p.Glu1672Gly; replaces glutamic acid 1672 with glycine.
Molecular consequence: missense variant.
Genome position (GRCh38, 1-based): chr2:166,199,624, T>C on the plus strand (A>G on the coding strand, the complement: SCN9A is on the minus strand). VCF-style: chr2-166199624-T-C. GRCh37 (hg19) VCF-style: chr2-167056134-T-C.
Other names: c.4982A>G, p.Glu1661Gly (NM_002977.4); short protein forms E1661G, E1672G.
Identifiers: ClinVar variation 1010769 (VCV001010769.11), dbSNP rs200042812, ClinGen allele CA1943736.

ClinVar aggregate classification (germline): Uncertain significance. Review status: criteria provided, multiple submitters, no conflicts (2 of 4 stars). 2 submissions from 2 submitters: Uncertain significance (2). Last evaluated 2025-11-18.

Conditions:
Neuropathy, hereditary sensory and autonomic, type 2A (HSAN2A). Also called: WNK1-Related HSAN2 (HSAN2A); ACROOSTEOLYSIS, GIACCAI TYPE; ACROOSTEOLYSIS, NEUROGENIC; MORVAN DISEASE; NEUROPATHY, CONGENITAL SENSORY; NEUROPATHY, HEREDITARY SENSORY RADICULAR, AUTOSOMAL RECESSIVE. Identifiers: Orphanet 970, MedGen C2752089, MONDO:0024309, OMIM 201300.
Generalized epilepsy with febrile seizures plus, type 7 (GEFSP7). Also called: GEFS+, TYPE 7. Identifiers: Orphanet 36387, MedGen C2751778, MONDO:0013470, OMIM 613863.
Inborn genetic diseases. Identifiers: MedGen C0950123, MeSH D030342.

Allele frequency attached by ClinVar (database versions not stated): ExAC 0.00002; gnomAD exomes 0.00002; TOPMed 0.00002; ESP Exome Variant Server 0.00008.
gnomAD v4.1: 71 of 1,614,160 alleles (0.0044%); highest among the groups gnomAD compares: Non-Finnish European, 0.006%; no homozygotes.

Submissions (2):

Labcorp Genetics (formerly Invitae), Labcorp
Classification: Uncertain significance for Neuropathy, hereditary sensory and autonomic, type 2A; Generalized epilepsy with febrile seizures plus, type 7. Last evaluated: 2025-11-18. Review status: criteria provided, single submitter. Criteria: Invitae Variant Classification Sherloc (09022015). Collection method: clinical testing. Allele origin: germline.
Comment: This sequence change replaces glutamic acid, which is acidic and polar, with glycine, which is neutral and non-polar, at codon 1661 of the SCN9A protein (p.Glu1661Gly). This variant is present in population databases (rs200042812, gnomAD 0.003%). This missense change has been observed in individual(s) with clinical features of SCN9A-related conditions (PMID: 36895957; internal data). It has also been observed to segregate with disease in related individuals. ClinVar contains an entry for this variant (Variation ID: 1010769). Invitae Evidence Modeling of protein sequence and biophysical properties (such as structural, functional, and spatial information, amino acid conservation, physicochemical variation, residue mobility, and thermodynamic stability) indicates that this missense variant is not expected to disrupt SCN9A protein function with a negative predictive value of 95%. In summary, the available evidence is currently insufficient to determine the role of this variant in disease. Therefore, it has been classified as a Variant of Uncertain Significance.

Ambry Genetics
Classification: Uncertain significance for Inborn genetic diseases. Last evaluated: 2019-11-14. Review status: criteria provided, single submitter. Criteria: Ambry Variant Classification Scheme 2023. Collection method: clinical testing. Allele origin: germline.
Comment: The p.E1661G variant (also known as c.4982A>G), located in coding exon 26 of the SCN9A gene, results from an A to G substitution at nucleotide position 4982. The glutamic acid at codon 1661 is replaced by glycine, an amino acid with similar properties. This amino acid position is not well conserved in available vertebrate species. In addition, this alteration is predicted to be deleterious by in silico analysis. Since supporting evidence is limited at this time, the clinical significance of this alteration remains unclear.

Literature cited by the submitters: PubMed 36895957 (cited by Labcorp Genetics (formerly Invitae), Labcorp).